The following is an entry in ClinVar:

ClinVar aggregate classification (germline): Uncertain significance (1 of 4 stars; one submission).

Allele frequency attached by ClinVar (database versions not stated): TOPMed below 0.00001; ExAC 0.00001; gnomAD exomes 0.00001.
gnomAD v4.1: 9 of 1,613,926 alleles (0.00056%); highest among the groups gnomAD compares: South Asian, 0.0033%; no homozygotes.

Submission:

Labcorp Genetics (formerly Invitae), Labcorp
Classification: Uncertain significance. Last evaluated: 2023-08-10. Review status: criteria provided, single submitter. Criteria: Invitae Variant Classification Sherloc (09022015). Collection method: clinical testing. Allele origin: germline.
Comment: In summary, the available evidence is currently insufficient to determine the role of this variant in disease. Therefore, it has been classified as a Variant of Uncertain Significance. An algorithm developed to predict the effect of missense changes on protein structure and function (PolyPhen-2) suggests that this variant is likely to be tolerated. ClinVar contains an entry for this variant (Variation ID: 1378095). This variant has not been reported in the literature in individuals affected with DSPP-related conditions. This variant is present in population databases (rs763608560, gnomAD 0.003%). This sequence change replaces phenylalanine, which is neutral and non-polar, with leucine, which is neutral and non-polar, at codon 93 of the DSPP protein (p.Phe93Leu).

NM_014208.3(DSPP):c.279T>G (p.Phe93Leu)

Genes: DMP1-AS1 (DMP1 and DSPP antisense RNA 1; minus strand), DSPP (dentin sialophosphoprotein; plus strand). Cytogenetic location: 4q22.1.
Variant type: single nucleotide variant.
Coding change: c.279T>G on transcript NM_014208.3 (MANE Select); coding-DNA position 279, T replaced by G.
Protein change: p.Phe93Leu; replaces phenylalanine 93 with leucine.
Molecular consequence: missense variant.
Genome position (GRCh38, 1-based): chr4:87,612,465, T>G. VCF-style: chr4-87612465-T-G. GRCh37 (hg19) VCF-style: chr4-88533617-T-G.
Other names: short protein forms F93L.
Identifiers: ClinVar variation 1378095 (VCV001378095.6), dbSNP rs763608560, ClinGen allele CA3000865.